The following is an entry in ClinVar:

NM_006065.5(SIRPB1):c.54G>A (p.Thr18=)

Gene: SIRPB1 (signal regulatory protein beta 1; minus strand). Cytogenetic location: 20p13.
Variant type: single nucleotide variant.
Coding change: c.54G>A on transcript NM_006065.5 (MANE Select); coding-DNA position 54, G replaced by A.
Protein change: p.Thr18=; no amino-acid change (threonine 18 retained).
Molecular consequence: synonymous variant.
Genome position (GRCh38, 1-based): chr20:1,619,891, C>T on the plus strand (G>A on the coding strand, the complement: SIRPB1 is on the minus strand). VCF-style: chr20-1619891-C-T. GRCh37 (hg19) VCF-style: chr20-1600537-C-T.
Other names: c.54G>A, p.Thr18= (NM_001083910.4, NM_001135844.4, NM_001329157.2).
Identifiers: ClinVar variation 3238998 (VCV003238998.19), dbSNP rs144045134.

ClinVar aggregate classification (germline): Likely benign (1 of 4 stars; one submission).

Allele frequency attached by ClinVar (database versions not stated): 1000 Genomes Project 0.00200; 1000 Genomes Project 30x 0.00219; gnomAD 0.00442; TOPMed 0.00453; ESP Exome Variant Server 0.00477; ExAC 0.00505; gnomAD exomes 0.00573.
gnomAD v4.1: 9,090 of 1,613,500 alleles (0.56%); highest among the groups gnomAD compares: Middle Eastern, 0.87%; 37 homozygotes.

Submission:

CeGaT Center for Human Genetics Tuebingen
Classification: Likely benign. Last evaluated: 2024-05-01. Review status: criteria provided, single submitter. Criteria: CeGaT Center For Human Genetics Tuebingen Variant Classification Criteria Version 2. Collection method: clinical testing. Allele origin: germline. Affected: yes. Observed: 1 variant allele.
Comment: SIRPB1: BP4, BP7, BS2